The following is an entry in ClinVar:

ClinVar aggregate classification (germline): Likely benign (1 of 4 stars; one submission).

Submission:

Women's Health and Genetics/Laboratory Corporation of America, LabCorp
Classification: Likely benign. Last evaluated: 2025-12-30. Review status: criteria provided, single submitter. Criteria: LabCorp Variant Classification Summary - May 2015. Collection method: clinical testing. Allele origin: germline.
Comment: Variant summary: DNM1L c.1079+16T>C alters a nucleotide located at a position not widely known to affect splicing. Consensus agreement among computation tools predict no significant impact on normal splicing. However, these predictions have yet to be confirmed by functional studies. The variant was absent in 247158 control chromosomes. The available data on variant occurrences in the general population are insufficient to allow any conclusion about variant significance. To our knowledge, no occurrence of c.1079+16T>C in individuals affected with DNM1L-related conditions and no experimental evidence demonstrating its impact on protein function have been reported. No submitters have cited clinical-significance assessments for this variant to ClinVar. Based on the evidence outlined above, the variant was classified as likely benign.

NM_012062.5(DNM1L):c.1079+16T>C

Gene: DNM1L (dynamin 1 like; plus strand). Cytogenetic location: 12p11.21.
Variant type: single nucleotide variant.
Coding change: c.1079+16T>C on transcript NM_012062.5 (MANE Select); 16 bases into the intron after coding-DNA position 1079, T replaced by C.
Molecular consequence: intron variant.
Genome position (GRCh38, 1-based): chr12:32,722,649, T>C. VCF-style: chr12-32722649-T-C. GRCh37 (hg19) VCF-style: chr12-32875583-T-C.
Other names: c.1118+16T>C (NM_001278464.2, NM_001278465.2, NM_001330380.2); c.470+16T>C (NM_001278466.2); c.1079+16T>C (NM_001278463.2, NM_012063.4, NM_005690.5).
Identifiers: ClinVar variation 4688295 (VCV004688295.1).